The following is an entry in ClinVar:

NM_004408.4(DNM1):c.796C>T (p.Arg266Cys)

Gene: DNM1 (dynamin 1; plus strand). Cytogenetic location: 9q34.11.
Variant type: single nucleotide variant.
Coding change: c.796C>T on transcript NM_004408.4 (MANE Select); coding-DNA position 796, C replaced by T.
Protein change: p.Arg266Cys; replaces arginine 266 with cysteine.
Molecular consequence: missense variant.
Genome position (GRCh38, 1-based): chr9:128,220,288, C>T. VCF-style: chr9-128220288-C-T. GRCh37 (hg19) VCF-style: chr9-130982567-C-T.
Other names: c.796C>T, p.Arg266Cys (NM_001005336.3, NM_001288737.2, NM_001288738.2 and 1 more transcripts); short protein forms R266C.
Identifiers: ClinVar variation 658850 (VCV000658850.39), dbSNP rs138053929, ClinGen allele CA5257885.
Genomic context (GRCh38, chr9:128,220,288, plus strand): 5'-AAGGACATTACCGCCGCCTTGGCTGCTGAACGAAAGTTCTTCCTCTCCCATCCATCTTAT[C>T]GCCACTTGGCTGACCGTATGGGCACGCCCTACCTGCAGAAGGTCCTCAATCAGGTAGGCG-3'
Protein context (NP_004399.2, residues 256-276): RKFFLSHPSY[Arg266Cys]HLADRMGTPY

ClinVar aggregate classification (germline): Conflicting classifications of pathogenicity. Review status: criteria provided, conflicting classifications (1 of 4 stars). 5 submissions from 5 submitters: Uncertain significance (4); Likely benign (1). Last evaluated 2026-06-01.

Conditions:
Developmental and epileptic encephalopathy, 31A. Also called: Epileptic encephalopathy, early infantile, 31; Developmental and epileptic encephalopathy, 31. Identifiers: Orphanet 2382, MedGen C4225357, MONDO:0014598, OMIM 616346.
Inborn genetic diseases. Identifiers: MedGen C0950123, MeSH D030342.

Allele frequency attached by ClinVar (database versions not stated): ExAC 0.00005; gnomAD exomes 0.00005; TOPMed 0.00005; gnomAD 0.00006 and 0.00007; ESP Exome Variant Server 0.00008.
gnomAD v4.1: 61 of 1,614,108 alleles (0.0038%); highest among the groups gnomAD compares: Non-Finnish European, 0.0044%; no homozygotes.

Submissions (5):

CeGaT Center for Human Genetics Tuebingen
Classification: Likely benign. Last evaluated: 2026-06-01. Review status: criteria provided, single submitter. Criteria: CeGaT Center For Human Genetics Tuebingen Variant Classification Criteria Version 2. Collection method: clinical testing. Allele origin: germline. Affected: yes. Observed: 2 variant alleles.
Comment: DNM1: PP2, PP3, BS2

Labcorp Genetics (formerly Invitae), Labcorp
Classification: Uncertain significance for Developmental and epileptic encephalopathy, 31A. Last evaluated: 2025-11-26. Review status: criteria provided, single submitter. Criteria: Invitae Variant Classification Sherloc (09022015). Collection method: clinical testing. Allele origin: germline.
Comment: This sequence change replaces arginine, which is basic and polar, with cysteine, which is neutral and slightly polar, at codon 266 of the DNM1 protein (p.Arg266Cys). This variant is present in population databases (rs138053929, gnomAD 0.01%). This missense change has been observed in individual(s) with clinical features of DNM1-related conditions (PMID: 30455886). ClinVar contains an entry for this variant (Variation ID: 658850). Invitae Evidence Modeling of protein sequence and biophysical properties (such as structural, functional, and spatial information, amino acid conservation, physicochemical variation, residue mobility, and thermodynamic stability) has been performed for this missense variant. However, the output from this modeling did not meet the statistical confidence thresholds required to predict the impact of this variant on DNM1 protein function. In summary, the available evidence is currently insufficient to determine the role of this variant in disease. Therefore, it has been classified as a Variant of Uncertain Significance.

Women's Health and Genetics/Laboratory Corporation of America, LabCorp
Classification: Uncertain significance. Last evaluated: 2023-05-26. Review status: criteria provided, single submitter. Criteria: LabCorp Variant Classification Summary - May 2015. Collection method: clinical testing. Allele origin: germline.
Comment: Variant summary: DNM1 c.796C>T (p.Arg266Cys) results in a non-conservative amino acid change located in the Dynamin stalk domain (IPR000375) of the encoded protein sequence. Five of five in-silico tools predict a damaging effect of the variant on protein function. The variant allele was found at a frequency of 4.8e-05 in 251466 control chromosomes in GnomAD. Heterozygous c.796C>T has been reported in the literature in an individual affected with intellectual disability and significant motor delay (Lazzara_2018). This report does not provide unequivocal conclusions about association of the variant with Developmental And Epileptic Encephalopathy, 31. To our knowledge, no experimental evidence demonstrating an impact on protein function has been reported. Three clinical diagnostic laboratories have submitted clinical-significance assessments for this variant to ClinVar after 2014 and all laboratories classified the variant as uncertain significance. Based on the evidence outlined above, the variant was classified as uncertain significance.

GeneDx
Classification: Uncertain significance. Last evaluated: 2019-07-23. Review status: criteria provided, single submitter. Criteria: GeneDx Variant Classification Process June 2021. Collection method: clinical testing. Allele origin: germline. Affected: yes.
Comment: Identified in a patient with intellectual disability, seizures, and progressive bilateral mesial temporal sclerosis, although parental testing was not performed to determine whether the variant was inherited or occurred de novo (Lazzara et al., 2018); In silico analysis, which includes protein predictors and evolutionary conservation, supports a deleterious effect; This variant is associated with the following publications: (PMID: 30455886)

Ambry Genetics
Classification: Uncertain significance for Inborn genetic diseases. Last evaluated: 2018-02-01. Review status: criteria provided, single submitter. Criteria: Ambry Variant Classification Scheme 2023. Collection method: clinical testing. Allele origin: germline.
Comment: The p.R266C variant (also known as c.796C>T), located in coding exon 6 of the DNM1 gene, results from a C to T substitution at nucleotide position 796. The arginine at codon 266 is replaced by cysteine, an amino acid with highly dissimilar properties. This amino acid position is highly conserved in available vertebrate species. In addition, this alteration is predicted to be deleterious by in silico analysis. Since supporting evidence is limited at this time, the clinical significance of this alteration remains unclear.

Literature cited by the submitters: PubMed 30455886 (cited by Labcorp Genetics (formerly Invitae), Labcorp and Women's Health and Genetics/Laboratory Corporation of America, LabCorp).